The following is an entry in ClinVar:

ClinVar aggregate classification (germline): Conflicting classifications of pathogenicity. Review status: criteria provided, conflicting classifications (1 of 4 stars). 4 submissions from 4 submitters: Uncertain significance (3); Likely benign (1). Last evaluated 2026-07-02.

Conditions:
PKD1-related disorder. Also called: PKD1-related condition.
Polycystic kidney disease, adult type (PKD1). Also called: POLYCYSTIC KIDNEY DISEASE, ADULT, TYPE I; Polycystic Kidney Disease 1, Autosomal Dominant; Polycystic kidney disease 1; Polycystic kidney disease 1, severe; Polycystic Kidney, Autosomal Dominant; POLYCYSTIC KIDNEY DISEASE 1 WITH OR WITHOUT POLYCYSTIC LIVER DISEASE. Identifiers: MedGen C3149841, MONDO:0008263, OMIM 173900.

Allele frequency attached by ClinVar (database versions not stated): ExAC 0.00005; gnomAD 0.00005; gnomAD exomes 0.00005; TOPMed 0.00008.
gnomAD v4.1: 66 of 1,587,998 alleles (0.0042%); highest among the groups gnomAD compares: African/African-American, 0.011%; no homozygotes.

Submissions (4):

Women's Health and Genetics/Laboratory Corporation of America, LabCorp
Classification: Uncertain significance. Last evaluated: 2026-07-02. Review status: criteria provided, single submitter. Criteria: LabCorp Variant Classification Summary - May 2015. Collection method: clinical testing. Allele origin: germline.
Comment: Variant summary: PKD1 c.3281C>G (p.Thr1094Ser) results in a conservative amino acid change in the encoded protein sequence. Algorithms developed to predict the effect of missense changes on protein structure and function all suggest that this variant is likely to be tolerated. The variant allele was found at a frequency of 5.4e-05 in 223386 control chromosomes. This frequency is not significantly higher than estimated for disease-causing variants in PKD1, allowing no conclusion about variant significance. To our knowledge, no occurrence of c.3281C>G in individuals affected with PKD1-related conditions and no experimental evidence demonstrating its impact on protein function have been reported. ClinVar contains an entry for this variant (Variation ID: 1311796). Based on the evidence outlined above, the variant was classified as uncertain significance.

PreventionGenetics, part of Exact Sciences
Classification: Likely benign for PKD1-related condition. Last evaluated: 2026-03-30. Review status: criteria provided, single submitter. Criteria: ACMG Guidelines, 2015. Collection method: clinical testing. Allele origin: germline.
Comment: This variant is classified as likely benign based on ACMG/AMP sequence variant interpretation guidelines (Richards et al. 2015 PMID: 25741868, with internal and published modifications).

Fulgent Genetics
Classification: Uncertain significance for Polycystic kidney disease, adult type. Last evaluated: 2022-01-11. Review status: criteria provided, single submitter. Criteria: ACMG Guidelines, 2015. Collection method: clinical testing. Allele origin: unknown.

GeneDx
Classification: Uncertain significance. Last evaluated: 2020-01-09. Review status: criteria provided, single submitter. Criteria: GeneDx Variant Classification Process June 2021. Collection method: clinical testing. Allele origin: germline. Affected: yes.
Comment: In silico analysis, which includes protein predictors and evolutionary conservation, supports that this variant does not alter protein structure/function; Has not been previously published as pathogenic or benign to our knowledge

NM_001009944.3(PKD1):c.3281C>G (p.Thr1094Ser)

Gene: PKD1 (polycystin 1, transient receptor potential channel interacting; minus strand). Cytogenetic location: 16p13.3.
Variant type: single nucleotide variant.
Coding change: c.3281C>G on transcript NM_001009944.3 (MANE Select); coding-DNA position 3281, C replaced by G.
Protein change: p.Thr1094Ser; replaces threonine 1094 with serine.
Molecular consequence: missense variant.
Genome position (GRCh38, 1-based): chr16:2,112,354, G>C on the plus strand (C>G on the coding strand, the complement: PKD1 is on the minus strand). VCF-style: chr16-2112354-G-C. GRCh37 (hg19) VCF-style: chr16-2162355-G-C.
Other names: c.3281C>G, p.Thr1094Ser (NM_000296.4); short protein forms T1094S.
Identifiers: ClinVar variation 1311796 (VCV001311796.5), dbSNP rs752995047, ClinGen allele CA7832862.